The following is an entry in ClinVar:

NM_004621.6(TRPC6):c.2043T>C (p.Ala681=)

Gene: TRPC6 (transient receptor potential cation channel subfamily C member 6; minus strand). Cytogenetic location: 11q22.1.
Variant type: single nucleotide variant.
Coding change: c.2043T>C on transcript NM_004621.6 (MANE Select); coding-DNA position 2043, T replaced by C.
Protein change: p.Ala681=; no amino-acid change (alanine 681 retained).
Molecular consequence: synonymous variant.
Genome position (GRCh38, 1-based): chr11:101,472,299, A>G on the plus strand (T>C on the coding strand, the complement: TRPC6 is on the minus strand). VCF-style: chr11-101472299-A-G. GRCh37 (hg19) VCF-style: chr11-101343030-A-G.
Other names: c.2043T>C (NM_004621.5).
Identifiers: ClinVar variation 1601392 (VCV001601392.14), dbSNP rs188810050, ClinGen allele CA6244215.

ClinVar aggregate classification (germline): Benign/Likely benign. Review status: criteria provided, multiple submitters, no conflicts (2 of 4 stars). 3 submissions from 3 submitters: Benign (1); Likely benign (1). 1 of the submissions does not count toward it. Last evaluated 2026-01-21.

Conditions:
TRPC6-related disorder. Also called: TRPC6-related condition.

Allele frequency attached by ClinVar (database versions not stated): ExAC 0.00024; gnomAD exomes 0.00032 and 0.00014; TOPMed 0.00035; gnomAD 0.00004; 1000 Genomes Project 30x 0.00016; 1000 Genomes Project 0.00020.
gnomAD v4.1: 89 of 1,612,824 alleles (0.0055%); highest among the groups gnomAD compares: Admixed American, 0.15%; no homozygotes.

Submissions (3):

Labcorp Genetics (formerly Invitae), Labcorp
Classification: Benign. Last evaluated: 2026-01-21. Review status: criteria provided, single submitter. Criteria: Invitae Variant Classification Sherloc (09022015). Collection method: clinical testing. Allele origin: germline.

CeGaT Center for Human Genetics Tuebingen
Classification: Likely benign. Last evaluated: 2026-01-01. Review status: criteria provided, single submitter. Criteria: CeGaT Center For Human Genetics Tuebingen Variant Classification Criteria Version 2. Collection method: clinical testing. Allele origin: germline. Affected: yes. Observed: 1 variant allele.
Comment: TRPC6: BP4, BP7

PreventionGenetics, part of Exact Sciences
Classification: Likely benign for TRPC6-related condition. Last evaluated: 2019-10-28. Review status: no assertion criteria provided. Collection method: clinical testing. Allele origin: germline. Not counted in ClinVar's aggregate classification.
Comment: This variant is classified as likely benign based on ACMG/AMP sequence variant interpretation guidelines (Richards et al. 2015 PMID: 25741868, with internal and published modifications).